The following is an entry in ClinVar:

NM_001142800.2(EYS):c.4350_4356del (p.Ile1451fs)

Gene: EYS (EGF-like photoreceptor maintenance factor; minus strand). Cytogenetic location: 6q12.
Variant type: Deletion.
Coding change: c.4350_4356del on transcript NM_001142800.2 (MANE Select); coding-DNA positions 4350 to 4356, 7 bases deleted (TATAGCT; older notation c.4350_4356delTATAGCT).
Protein change: p.Ile1451fs; shifts the reading frame from isoleucine 1451.
Molecular consequence: frameshift variant.
Genome position (GRCh38, 1-based): chr6:64,591,511-64,591,517, AGCTATA deleted on the plus strand (TATAGCT on the coding strand, the reverse complement: EYS is on the minus strand); deleting any 7 consecutive bases within chr6:64,591,511-64,591,520 gives the same sequence; the c. name uses the placement nearest the transcript's 3' end. VCF-style (leftmost placement, unchanged base first): chr6-64591510-CAGCTATA-C. GRCh37 (hg19) VCF-style: chr6-65301403-CAGCTATA-C.
Other names: c.4350_4356delTATAGCT (NM_001292009.1, NM_001142800.2); c.4350_4356del, p.Ile1451fs (NM_001292009.2); c.4350_4356del7 (NM_001142800.1); short protein forms I1451fs.
Identifiers: ClinVar variation 195936 (VCV000195936.81), dbSNP rs761238771, ClinGen allele CA275136.

ClinVar aggregate classification (germline): Pathogenic/Likely pathogenic. Review status: criteria provided, multiple submitters, no conflicts (2 of 4 stars). 20 submissions from 20 submitters: Pathogenic (16); Likely pathogenic (1). 3 of the submissions do not count toward it. Last evaluated 2026-03-26.

Conditions:
EYS-related disorder. Also called: EYS-related condition.
Retinal dystrophy. Also called: Inherited retinal dystrophy. Identifiers: Orphanet 71862, MedGen C0854723, MeSH D058499, MONDO:0019118, HP:0000556.
Retinitis pigmentosa (RP). Identifiers: Orphanet 791, MedGen C0035334, MeSH D012174, MONDO:0019200, OMIM 268000. Inheritance: Autosomal dominant, autosomal recessive and X linked inheritance.
Retinitis pigmentosa 25 (RP25). Identifiers: Orphanet 791, MedGen C1864446, MONDO:0011272, OMIM 602772.

Submissions (20):

PreventionGenetics, part of Exact Sciences
Classification: Pathogenic for EYS-related condition. Last evaluated: 2026-03-26. Review status: criteria provided, single submitter. Criteria: ACMG Guidelines, 2015. Collection method: clinical testing. Allele origin: germline.
Comment: The EYS c.4350_4356del7 variant is predicted to result in a frameshift and premature protein termination (p.Ile1451Profs*3). This variant has been reported in individuals with retinitis pigmentosa or EYS-related retinal disease (for examples see: Littink et al. 2010. PubMed ID: 20537394; Bonilha et al. 2014. PubMed ID: 25491159; Pierrache et al. 2019. PubMed ID: 31074760). This variant is reported in 0.019% of alleles in individuals of European (Non-Finnish) descent in gnomAD. Frameshift variants in EYS are expected to be pathogenic. This variant is interpreted as pathogenic.

Labcorp Genetics (formerly Invitae), Labcorp
Classification: Pathogenic. Last evaluated: 2026-01-28. Review status: criteria provided, single submitter. Criteria: Invitae Variant Classification Sherloc (09022015). Collection method: clinical testing. Allele origin: germline.
Comment: This sequence change creates a premature translational stop signal (p.Ile1451Profs*3) in the EYS gene. It is expected to result in an absent or disrupted protein product. Loss-of-function variants in EYS are known to be pathogenic (PMID: 18836446, 20333770). This variant is present in population databases (rs761238771, gnomAD 0.02%). This premature translational stop signal has been observed in individual(s) with autosomal recessive retinitis pigmentosa (PMID: 20537394, 24265693, 31074760). ClinVar contains an entry for this variant (Variation ID: 195936). For these reasons, this variant has been classified as Pathogenic.

Natera, Inc.
Classification: Pathogenic for Retinitis pigmentosa type 25. Last evaluated: 2025-07-01. Review status: criteria provided, single submitter. Criteria: Natera Variant Classification Schema (03/2026). Collection method: clinical testing. Allele origin: germline.
Comment: The c.4350_4356delTATAGCT variant in EYS is a frameshift variant predicted to shift the reading frame beginning at codon 1451 and leads to a stop codon 3 codons downstream. This variant is expected to result in nonsense mediated decay, truncation, or a dysfunctional protein product. This variant is rare in the general population with a frequency below the threshold expected for the associated phenotype(s). This variant has been observed in one or more individuals affected with the associated recessive disease, as either homozygous or compound heterozygous with a second variant (PMID: 32531858). Given the available evidence, this variant is classified as Pathogenic.

Centre for Clinical Genetics and Genomic Diagnostics, Zealand University Hospital
Classification: Pathogenic. Last evaluated: 2024-09-24. Review status: criteria provided, single submitter. Criteria: ACMG Guidelines, 2015. Collection method: clinical testing. Allele origin: germline. Affected: yes.
Comment: Compound heterozygous

Blueprint Genetics
Classification: Pathogenic for EYS-related disorders. Last evaluated: 2024-08-29. Review status: criteria provided, single submitter. Criteria: ACMG Guidelines, 2015. Collection method: clinical testing. Allele origin: germline. Affected: yes. Observed: 5 variant alleles.

Baylor Genetics
Classification: Pathogenic for Retinitis pigmentosa 25. Last evaluated: 2024-03-25. Review status: criteria provided, single submitter. Criteria: ACMG Guidelines, 2015. Collection method: clinical testing. Allele origin: unknown.

Institute of Human Genetics, Univ. Regensburg, Univ. Regensburg
Classification: Pathogenic for Retinal dystrophy. Last evaluated: 2023-01-01. Review status: criteria provided, single submitter. Criteria: ACMG Guidelines, 2015. Collection method: clinical testing. Allele origin: germline. Affected: yes.

GeneDx
Classification: Pathogenic. Last evaluated: 2022-10-07. Review status: criteria provided, single submitter. Criteria: GeneDx Variant Classification Process June 2021. Collection method: clinical testing. Allele origin: germline. Affected: yes.
Comment: Frameshift variant predicted to result in protein truncation or nonsense mediated decay in a gene for which loss-of-function is a known mechanism of disease; This variant is associated with the following publications: (PMID: 25491159, 32531858, 21217109, 31074760, 30718709, 32037395, 20537394)

Fulgent Genetics
Classification: Pathogenic for Retinitis pigmentosa 25. Last evaluated: 2021-09-24. Review status: criteria provided, single submitter. Criteria: ACMG Guidelines, 2015. Collection method: clinical testing. Allele origin: unknown.

Institute of Medical Genetics and Applied Genomics, University Hospital Tübingen
Classification: Pathogenic for Retinitis pigmentosa. Last evaluated: 2021-09-23. Review status: criteria provided, single submitter. Criteria: ACMG Guidelines, 2015. Collection method: clinical testing. Allele origin: germline. Inheritance: Autosomal recessive inheritance. Affected: yes.

Ocular Genomics Institute, Massachusetts Eye and Ear
Classification: Pathogenic for Retinitis pigmentosa 25. Last evaluated: 2021-04-08. Review status: criteria provided, single submitter. Criteria: ACMG Guidelines, 2015. Collection method: research. Allele origin: germline. Affected: yes.
Comment: Through a review of available evidence we were able to apply the following criteria: PVS1, PM2, PP1. Based on this evidence we have classified this variant as Pathogenic.

Broad Center for Mendelian Genomics, Broad Institute of MIT and Harvard
Classification: Likely pathogenic for Retinitis pigmentosa. Last evaluated: 2021-04-01. Review status: criteria provided, single submitter. Criteria: ACMG Guidelines, 2015. Collection method: curation. Allele origin: germline. Inheritance: Autosomal recessive inheritance. Affected: yes.
Comment: Through a review of available evidence we were able to apply the following criteria: PVS1, PM2. Based on this evidence we have classified this variant as Likely Pathogenic. If you have any questions about the classification please reach out to the Pierce Lab.

CeGaT Center for Human Genetics Tuebingen
Classification: Pathogenic. Last evaluated: 2020-07-01. Review status: criteria provided, single submitter. Criteria: CeGaT Center For Human Genetics Tuebingen Variant Classification Criteria Version 2. Collection method: clinical testing. Allele origin: germline. Affected: yes. Observed: 6 variant alleles.

Revvity Omics, Revvity
Classification: Pathogenic for Retinitis pigmentosa 25. Last evaluated: 2019-10-21. Review status: criteria provided, single submitter. Criteria: ACMG Guidelines, 2015. Collection method: clinical testing. Allele origin: germline.

Centre for Mendelian Genomics, University Medical Centre Ljubljana
Classification: Pathogenic for Retinitis pigmentosa 25. Last evaluated: 2019-09-16. Review status: criteria provided, single submitter. Criteria: ACMG Guidelines, 2015. Collection method: clinical testing. Allele origin: unknown. Affected: yes.
Comment: This variant was classified as: Pathogenic. The following ACMG criteria were applied in classifying this variant: PVS1,PM2,PP5.

Clinical Genetics DNA and cytogenetics Diagnostics Lab, Erasmus MC, Erasmus Medical Center
Classification: Pathogenic for Retinitis pigmentosa 25. Last evaluated: 2016-03-24. Review status: criteria provided, single submitter. Criteria: ACGS Guidelines, 2013. Collection method: clinical testing. Allele origin: germline. Affected: yes. Study: VKGL Data-share Consensus.

Eurofins Ntd Llc (ga)
Classification: Pathogenic. Last evaluated: 2014-06-24. Review status: criteria provided, single submitter. Criteria: EGL Classification Definitions 2015. Collection method: clinical testing. Allele origin: germline. Observed: 1 variant allele, 1 heterozygote.

Department of Clinical Genetics, Copenhagen University Hospital, Rigshospitalet
Classification: Pathogenic for Retinitis pigmentosa. Last evaluated: 2018-04-01. Review status: no assertion criteria provided. Collection method: research. Allele origin: unknown. Affected: yes. Study: VeluxRD. Not counted in ClinVar's aggregate classification.

Clinical Genetics, Academic Medical Center
Classification: Pathogenic. Review status: no assertion criteria provided. Collection method: clinical testing. Allele origin: germline. Affected: yes. Study: VKGL Data-share Consensus. Not counted in ClinVar's aggregate classification.

Joint Genome Diagnostic Labs from Nijmegen and Maastricht, Radboudumc and MUMC+
Classification: Pathogenic. Review status: no assertion criteria provided. Collection method: clinical testing. Allele origin: germline. Affected: yes. Study: VKGL Data-share Consensus. Not counted in ClinVar's aggregate classification.

Literature cited by the submitters: PubMed 18836446 (cited by Labcorp Genetics (formerly Invitae), Labcorp); PubMed 20333770 (cited by Labcorp Genetics (formerly Invitae), Labcorp); PubMed 20537394 (cited by 4 submitters); PubMed 24265693 (cited by Labcorp Genetics (formerly Invitae), Labcorp and Ocular Genomics Institute, Massachusetts Eye and Ear); PubMed 31074760 (cited by Labcorp Genetics (formerly Invitae), Labcorp and Institute of Human Genetics, Univ. Regensburg, Univ. Regensburg); PubMed 32531858 (cited by Natera, Inc. and Institute of Human Genetics, Univ. Regensburg, Univ. Regensburg); PubMed 25491159 (cited by Institute of Human Genetics, Univ. Regensburg, Univ. Regensburg); PubMed 31964843 (cited by Institute of Human Genetics, Univ. Regensburg, Univ. Regensburg); PubMed 32037395 (cited by Institute of Human Genetics, Univ. Regensburg, Univ. Regensburg); PubMed 36819107 (cited by Institute of Human Genetics, Univ. Regensburg, Univ. Regensburg); PubMed 30718709 (cited by Ocular Genomics Institute, Massachusetts Eye and Ear and Department of Clinical Genetics, Copenhagen University Hospital, Rigshospitalet); PubMed 21217109 (cited by Ocular Genomics Institute, Massachusetts Eye and Ear and Eurofins Ntd Llc (ga)); PubMed 34906470 (cited by Broad Center for Mendelian Genomics, Broad Institute of MIT and Harvard).